The following is an entry in ClinVar:

ClinVar aggregate classification (germline): Uncertain significance (1 of 4 stars; one submission).

Conditions:
Progressive microcephaly-seizures-cortical blindness-developmental delay syndrome. Also called: Seizures, cortical blindness, and microcephaly syndrome. Identifiers: Orphanet 477814, MedGen C5567650, MONDO:0014714, OMIM 616632.
Autosomal dominant nonsyndromic hearing loss 1. Also called: DEAFNESS, AUTOSOMAL DOMINANT 1, WITH OR WITHOUT THROMBOCYTOPENIA; KONIGSMARK SYNDROME. Identifiers: Orphanet 90635, MedGen C1852282, MONDO:0007424, OMIM 124900.

Submission:

Labcorp Genetics (formerly Invitae), Labcorp
Classification: Uncertain significance for Progressive microcephaly-seizures-cortical blindness-developmental delay syndrome; Autosomal dominant nonsyndromic hearing loss 1. Last evaluated: 2024-09-30. Review status: criteria provided, single submitter. Criteria: Invitae Variant Classification Sherloc (09022015). Collection method: clinical testing. Allele origin: germline.
Comment: This sequence change affects codon 892 of the DIAPH1 mRNA. It is a 'silent' change, meaning that it does not change the encoded amino acid sequence of the DIAPH1 protein. This variant also falls at the last nucleotide of exon 20, which is part of the consensus splice site for this exon. This variant is not present in population databases (gnomAD no frequency). This variant has not been reported in the literature in individuals affected with DIAPH1-related conditions. Variants that disrupt the consensus splice site are a relatively common cause of aberrant splicing (PMID: 17576681, 9536098). Algorithms developed to predict the effect of sequence changes on RNA splicing suggest that this variant may disrupt the consensus splice site. In summary, the available evidence is currently insufficient to determine the role of this variant in disease. Therefore, it has been classified as a Variant of Uncertain Significance.

Literature cited by the submitters: PubMed 17576681; PubMed 9536098.

NM_005219.5(DIAPH1):c.2676G>A (p.Gln892=)

Gene: DIAPH1 (diaphanous related formin 1; minus strand). Cytogenetic location: 5q31.3.
Variant type: single nucleotide variant.
Coding change: c.2676G>A on transcript NM_005219.5 (MANE Select); coding-DNA position 2676, G replaced by A.
Protein change: p.Gln892=; no amino-acid change (glutamine 892 retained).
Molecular consequence: synonymous variant.
Genome position (GRCh38, 1-based): chr5:141,529,603, C>T on the plus strand (G>A on the coding strand, the complement: DIAPH1 is on the minus strand). VCF-style: chr5-141529603-C-T. GRCh37 (hg19) VCF-style: chr5-140909170-C-T.
Other names: c.2649G>A, p.Gln883= (NM_001079812.3); c.2676G>A, p.Gln892= (NM_001314007.2).
Identifiers: ClinVar variation 3761895 (VCV003761895.2).